The following is an entry in ClinVar:

ClinVar aggregate classification (germline): Benign (1 of 4 stars; one submission).

Allele frequency attached by ClinVar (database versions not stated): 1000 Genomes Project 30x 0.60915; 1000 Genomes Project 0.61322; TOPMed 0.66423; gnomAD 0.67814 and 0.67940.
gnomAD v4.1: 103,015 of 151,644 alleles (68%); highest among the groups gnomAD compares: Middle Eastern, 84%; 35,811 homozygotes.

Submission:

GeneDx
Classification: Benign. Last evaluated: 2018-06-16. Review status: criteria provided, single submitter. Criteria: GeneDx Variant Classification (06012015). Collection method: clinical testing. Allele origin: germline. Affected: yes.
Comment: This variant is considered likely benign or benign based on one or more of the following criteria: it is a conservative change, it occurs at a poorly conserved position in the protein, it is predicted to be benign by multiple in silico algorithms, and/or has population frequency not consistent with disease.

NM_002894.3(RBBP8):c.-98-336C>T

Gene: RBBP8 (RB binding protein 8, endonuclease; plus strand). Cytogenetic location: 18q11.2.
Variant type: single nucleotide variant.
Coding change: c.-98-336C>T on transcript NM_002894.3 (MANE Select); 336 bases into the intron before 98 bases upstream of the start codon, C replaced by T.
Molecular consequence: intron variant.
Genome position (GRCh38, 1-based): chr18:22,936,418, C>T. VCF-style: chr18-22936418-C-T. GRCh37 (hg19) VCF-style: chr18-20516381-C-T.
Other names: c.-98-336C>T (NM_203292.2, NM_203291.2).
Identifiers: ClinVar variation 684038 (VCV000684038.1), dbSNP rs9966323, ClinGen allele CA15929354.